The following is an entry in ClinVar:

ClinVar aggregate classification (germline): Uncertain significance (1 of 4 stars; one submission).

Conditions:
Developmental and epileptic encephalopathy, 12 (DEE12). Identifiers: MedGen C3150988, MONDO:0013389, OMIM 613722.

gnomAD v4.1: 1 of 1,612,204 alleles (0.000062%); highest among the groups gnomAD compares: East Asian, 0.0022%; no homozygotes.

Submission:

Labcorp Genetics (formerly Invitae), Labcorp
Classification: Uncertain significance for Developmental and epileptic encephalopathy, 12. Last evaluated: 2024-07-03. Review status: criteria provided, single submitter. Criteria: Invitae Variant Classification Sherloc (09022015). Collection method: clinical testing. Allele origin: germline.
Comment: This sequence change replaces glycine, which is neutral and non-polar, with alanine, which is neutral and non-polar, at codon 7 of the PLCB1 protein (p.Gly7Ala). This variant is not present in population databases (gnomAD no frequency). This variant has not been reported in the literature in individuals affected with PLCB1-related conditions. An algorithm developed to predict the effect of missense changes on protein structure and function (PolyPhen-2) suggests that this variant is likely to be tolerated. In summary, the available evidence is currently insufficient to determine the role of this variant in disease. Therefore, it has been classified as a Variant of Uncertain Significance.

NM_015192.4(PLCB1):c.20G>C (p.Gly7Ala)

Gene: PLCB1 (phospholipase C beta 1; plus strand). Cytogenetic location: 20p12.3.
Variant type: single nucleotide variant.
Coding change: c.20G>C on transcript NM_015192.4 (MANE Select); coding-DNA position 20, G replaced by C.
Protein change: p.Gly7Ala; replaces glycine 7 with alanine.
Molecular consequence: missense variant.
Genome position (GRCh38, 1-based): chr20:8,132,671, G>C. VCF-style: chr20-8132671-G-C. GRCh37 (hg19) VCF-style: chr20-8113318-G-C.
Other names: c.20G>C, p.Gly7Ala (NM_182734.3); short protein forms G7A.
Identifiers: ClinVar variation 3658625 (VCV003658625.2).